The following is an entry in ClinVar:

ClinVar aggregate classification (germline): Likely benign. Review status: criteria provided, multiple submitters, no conflicts (2 of 4 stars). 2 submissions from 2 submitters: Likely benign (2). Last evaluated 2025-08-01.

gnomAD v4.1: 108 of 1,613,728 alleles (0.0067%); highest among the groups gnomAD compares: Middle Eastern, 0.2%; no homozygotes.

Submissions (2):

CeGaT Center for Human Genetics Tuebingen
Classification: Likely benign. Last evaluated: 2025-08-01. Review status: criteria provided, single submitter. Criteria: CeGaT Center For Human Genetics Tuebingen Variant Classification Criteria Version 2. Collection method: clinical testing. Allele origin: germline. Affected: yes. Observed: 1 variant allele.
Comment: ZFHX4: BP4, BP7

Blueprint Genetics
Classification: Likely benign. Last evaluated: 2024-09-02. Review status: criteria provided, single submitter. Criteria: ACMG Guidelines, 2015. Collection method: clinical testing. Allele origin: germline.

NM_024721.5(ZFHX4):c.6420G>A (p.Gln2140=)

Gene: ZFHX4 (zinc finger homeobox 4; plus strand). Cytogenetic location: 8q21.13.
Variant type: single nucleotide variant.
Coding change: c.6420G>A on transcript NM_024721.5 (MANE Select); coding-DNA position 6420, G replaced by A.
Protein change: p.Gln2140=; no amino-acid change (glutamine 2140 retained).
Molecular consequence: synonymous variant.
Genome position (GRCh38, 1-based): chr8:76,853,341, G>A. VCF-style: chr8-76853341-G-A. GRCh37 (hg19) VCF-style: chr8-77765577-G-A.
Other names: c.6342G>A, p.Gln2114= (NM_001410934.1).
Identifiers: ClinVar variation 4084226 (VCV004084226.9).
Genomic context (GRCh38, chr8:76,853,341, plus strand): 5'-TCCCAACTTCTTAAGACATTCTCAGTTCAAACGCCCACGGACAAGAATTACAGATGATCA[G>A]CTAAAAATCCTGAGGGCTTATTTTGACATTAATAATTCTCCAAGTGAAGAACAGATCCAG-3'
Protein context (NP_078997.4, residues 2130-2150): KRPRTRITDD[Gln2140=]LKILRAYFDI